The following is an entry in ClinVar:

ClinVar aggregate classification (germline): Uncertain significance (1 of 4 stars; one submission).

Submission:

Ambry Genetics
Classification: Uncertain significance. Last evaluated: 2024-10-23. Review status: criteria provided, single submitter. Criteria: Ambry Variant Classification Scheme 2023. Collection method: clinical testing. Allele origin: germline.
Comment: The p.H316Y variant (also known as c.946C>T), located in coding exon 9 of the FAM175A gene, results from a C to T substitution at nucleotide position 946. The histidine at codon 316 is replaced by tyrosine, an amino acid with similar properties. This amino acid position is conserved. In addition, this alteration is predicted to be tolerated by in silico analysis. Based on the available evidence, the clinical significance of this variant remains unclear.

NM_139076.3(ABRAXAS1):c.946C>T (p.His316Tyr)

Gene: ABRAXAS1 (abraxas 1, BRCA1 A complex subunit; minus strand). Cytogenetic location: 4q21.23.
Variant type: single nucleotide variant.
Coding change: c.946C>T on transcript NM_139076.3 (MANE Select); coding-DNA position 946, C replaced by T.
Protein change: p.His316Tyr; replaces histidine 316 with tyrosine.
Molecular consequence: missense variant.
Genome position (GRCh38, 1-based): chr4:83,462,753, G>A on the plus strand (C>T on the coding strand, the complement: ABRAXAS1 is on the minus strand). VCF-style: chr4-83462753-G-A. GRCh37 (hg19) VCF-style: chr4-84383906-G-A.
Other names: c.619C>T, p.His207Tyr (NM_001345962.2); short protein forms H316Y, H207Y.
Identifiers: ClinVar variation 3448061 (VCV003448061.1).